The following is an entry in ClinVar:

ClinVar aggregate classification (germline): Uncertain significance. Review status: criteria provided, multiple submitters, no conflicts (2 of 4 stars). 2 submissions from 2 submitters: Uncertain significance (2). Last evaluated 2022-08-24.

Allele frequency attached by ClinVar (database versions not stated): gnomAD exomes 0.00001; TOPMed 0.00001; ExAC 0.00003.
gnomAD v4.1: 8 of 1,610,506 alleles (0.0005%); highest among the groups gnomAD compares: Admixed American, 0.012%; no homozygotes.

Submissions (2):

Labcorp Genetics (formerly Invitae), Labcorp
Classification: Uncertain significance. Last evaluated: 2022-08-24. Review status: criteria provided, single submitter. Criteria: Invitae Variant Classification Sherloc (09022015). Collection method: clinical testing. Allele origin: germline.
Comment: This variant has not been reported in the literature in individuals affected with ASB10-related conditions. In summary, the available evidence is currently insufficient to determine the role of this variant in disease. Therefore, it has been classified as a Variant of Uncertain Significance. Algorithms developed to predict the effect of missense changes on protein structure and function (SIFT, PolyPhen-2, Align-GVGD) all suggest that this variant is likely to be tolerated. This variant is present in population databases (rs767293286, gnomAD 0.02%). This sequence change replaces proline, which is neutral and non-polar, with threonine, which is neutral and polar, at codon 31 of the ASB10 protein (p.Pro31Thr).

Ambry Genetics
Classification: Uncertain significance. Last evaluated: 2022-08-12. Review status: criteria provided, single submitter. Criteria: Ambry Variant Classification Scheme 2023. Collection method: clinical testing. Allele origin: germline.

NM_001142459.2(ASB10):c.91C>A (p.Pro31Thr)

Gene: ASB10 (ankyrin repeat and SOCS box containing 10; minus strand). Cytogenetic location: 7q36.1.
Variant type: single nucleotide variant.
Coding change: c.91C>A on transcript NM_001142459.2 (MANE Select); coding-DNA position 91, C replaced by A.
Protein change: p.Pro31Thr; replaces proline 31 with threonine.
Molecular consequence: missense variant. On other transcripts: intron variant (1).
Genome position (GRCh38, 1-based): chr7:151,187,040, G>T on the plus strand (C>A on the coding strand, the complement: ASB10 is on the minus strand). VCF-style: chr7-151187040-G-T. GRCh37 (hg19) VCF-style: chr7-150884127-G-T.
Other names: c.91C>A, p.Pro31Thr (NM_001142460.1); c.272-381C>A (NM_080871.4); short protein forms P31T.
Identifiers: ClinVar variation 1990116 (VCV001990116.5), dbSNP rs767293286, ClinGen allele CA4573997.
Genomic context (GRCh38, chr7:151,187,040, plus strand): 5'-CTGTGCGGGTGACGATGGGTCCCGGGCCAGACTTGAGGTGCTCCTCAGACCCTCTGCTGG[G>T]CTTCTCCACCAGCCTGGCACAGAGGGGGTGTCTGTCATCGAGGGGCTCTCCCTGCCCCTT-3'
Protein context (NP_001135931.2, residues 21-41): HPLCARLVEK[Pro31Thr]SRGSEEHLKS